The following is an entry in ClinVar:

ClinVar aggregate classification (germline): Likely benign. Review status: criteria provided, multiple submitters, no conflicts (2 of 4 stars). 2 submissions from 2 submitters: Likely benign (2). Last evaluated 2018-06-19.

Allele frequency attached by ClinVar (database versions not stated): 1000 Genomes Project 30x 0.00953; 1000 Genomes Project 0.00958; TOPMed 0.01711; gnomAD 0.01734 and 0.01761.
gnomAD v4.1: 29,014 of 1,346,696 alleles (2.2%); highest among the groups gnomAD compares: Non-Finnish European, 2.5%; 427 homozygotes.

Submissions (2):

GeneDx
Classification: Likely benign. Last evaluated: 2018-06-19. Review status: criteria provided, single submitter. Criteria: GeneDx Variant Classification (06012015). Collection method: clinical testing. Allele origin: germline. Affected: yes.
Comment: This variant is considered likely benign or benign based on one or more of the following criteria: it is a conservative change, it occurs at a poorly conserved position in the protein, it is predicted to be benign by multiple in silico algorithms, and/or has population frequency not consistent with disease.

Breakthrough Genomics
Classification: Likely benign. Review status: criteria provided, single submitter. Criteria: ACMG Guidelines, 2015. Collection method: not provided. Allele origin: germline. Inheritance: Autosomal recessive inheritance. Affected: yes.

NM_182961.4(SYNE1):c.6381+126A>G

Gene: SYNE1 (spectrin repeat containing nuclear envelope protein 1; minus strand). Cytogenetic location: 6q25.2.
Variant type: single nucleotide variant.
Coding change: c.6381+126A>G on transcript NM_182961.4 (MANE Select); 126 bases into the intron after coding-DNA position 6381, A replaced by G.
Molecular consequence: intron variant.
Genome position (GRCh38, 1-based): chr6:152,409,433, T>C on the plus strand (A>G on the coding strand, the complement: SYNE1 is on the minus strand). VCF-style: chr6-152409433-T-C. GRCh37 (hg19) VCF-style: chr6-152730568-T-C.
Other names: c.6402+126A>G (NM_033071.5).
Identifiers: ClinVar variation 670154 (VCV000670154.2), dbSNP rs117179453, ClinGen allele CA150204250.